The following is an entry in ClinVar:

NM_000786.4(CYP51A1):c.292-6T>C

Gene: CYP51A1 (cytochrome P450 family 51 subfamily A member 1; minus strand). Cytogenetic location: 7q21.2.
Variant type: single nucleotide variant.
Coding change: c.292-6T>C on transcript NM_000786.4 (MANE Select); 6 bases into the intron before coding-DNA position 292, T replaced by C.
Molecular consequence: intron variant.
Genome position (GRCh38, 1-based): chr7:92,129,062, A>G on the plus strand (T>C on the coding strand, the complement: CYP51A1 is on the minus strand). VCF-style: chr7-92129062-A-G. GRCh37 (hg19) VCF-style: chr7-91758376-A-G.
Other names: c.-24-6T>C (NM_001146152.2).
Identifiers: ClinVar variation 3057305 (VCV003057305.2), dbSNP rs747626359, ClinGen allele CA4338594.

ClinVar aggregate classification (germline): Likely benign (0 of 4 stars; one submission).

Conditions:
CYP51A1-related disorder. Also called: CYP51A1-related condition.

Allele frequency attached by ClinVar (database versions not stated): ExAC 0.00003; gnomAD exomes 0.00003; TOPMed 0.00003; gnomAD 0.00005.
gnomAD v4.1: 46 of 1,602,008 alleles (0.0029%); highest among the groups gnomAD compares: Middle Eastern, 0.017%; no homozygotes.

Submission:

PreventionGenetics, part of Exact Sciences
Classification: Likely benign for CYP51A1-related condition. Last evaluated: 2019-03-27. Review status: no assertion criteria provided. Collection method: clinical testing. Allele origin: germline.
Comment: This variant is classified as likely benign based on ACMG/AMP sequence variant interpretation guidelines (Richards et al. 2015 PMID: 25741868, with internal and published modifications).